The following is an entry in ClinVar:

NM_018685.5(ANLN):c.1283A>G (p.Lys428Arg)

Gene: ANLN (anillin, actin binding protein; plus strand). Cytogenetic location: 7p14.2.
Variant type: single nucleotide variant.
Coding change: c.1283A>G on transcript NM_018685.5 (MANE Select); coding-DNA position 1283, A replaced by G.
Protein change: p.Lys428Arg; replaces lysine 428 with arginine.
Molecular consequence: missense variant.
Genome position (GRCh38, 1-based): chr7:36,410,700, A>G. VCF-style: chr7-36410700-A-G. GRCh37 (hg19) VCF-style: chr7-36450309-A-G.
Other names: c.1283A>G, p.Lys428Arg (NM_001284301.3, NM_001284302.3); short protein forms K428R.
Identifiers: ClinVar variation 1444919 (VCV001444919.8), dbSNP rs1787376811, ClinGen allele CA367209601.

ClinVar aggregate classification (germline): Uncertain significance (1 of 4 stars; one submission).

Submission:

Labcorp Genetics (formerly Invitae), Labcorp
Classification: Uncertain significance. Last evaluated: 2020-11-14. Review status: criteria provided, single submitter. Criteria: Invitae Variant Classification Sherloc (09022015). Collection method: clinical testing. Allele origin: germline.
Comment: This sequence change replaces lysine with arginine at codon 428 of the ANLN protein (p.Lys428Arg). The lysine residue is moderately conserved and there is a small physicochemical difference between lysine and arginine. This variant is not present in population databases (ExAC no frequency). This variant has not been reported in the literature in individuals with ANLN-related conditions. Algorithms developed to predict the effect of missense changes on protein structure and function are either unavailable or do not agree on the potential impact of this missense change (SIFT: "Tolerated"; PolyPhen-2: "Probably Damaging"; Align-GVGD: "Class C0"). In summary, the available evidence is currently insufficient to determine the role of this variant in disease. Therefore, it has been classified as a Variant of Uncertain Significance.